The following is an entry in ClinVar:

NM_020975.6(RET):c.47T>A (p.Leu16Gln)

Gene: RET (ret proto-oncogene; plus strand). Cytogenetic location: 10q11.21.
Variant type: single nucleotide variant.
Coding change: c.47T>A on transcript NM_020975.6 (MANE Select); coding-DNA position 47, T replaced by A.
Protein change: p.Leu16Gln; replaces leucine 16 with glutamine.
Molecular consequence: missense variant.
Genome position (GRCh38, 1-based): chr10:43,077,305, T>A. VCF-style: chr10-43077305-T-A. GRCh37 (hg19) VCF-style: chr10-43572753-T-A.
Other names: c.47T>A, p.Leu16Gln (NM_000323.2, NM_001406743.1, NM_001406744.1 and 38 more transcripts); short protein forms L16Q.
Identifiers: ClinVar variation 572655 (VCV000572655.15), dbSNP rs1564480893, ClinGen allele CA376768082.
Genomic context (GRCh38, chr10:43,077,305, plus strand): 5'-AGCGCGCACGGGCGATGGCGAAGGCGACGTCCGGTGCCGCGGGGCTGCGTCTGCTGTTGC[T>A]GCTGCTGCTGCCGCTGCTAGGCAAAGGTGAGTTCTGCCGGCCGCCGGCTCCCGCAGGGGC-3'
Protein context (NP_066124.1, residues 6-26): SGAAGLRLLL[Leu16Gln]LLLPLLGKVA

ClinVar aggregate classification (germline): Uncertain significance. Review status: criteria provided, multiple submitters, no conflicts (2 of 4 stars). 5 submissions from 5 submitters: Uncertain significance (5). Last evaluated 2025-11-05.

Conditions:
Hirschsprung disease, susceptibility to, 1 (HSCR1). Also called: RET-Related Hirschsprung Disease. Identifiers: Orphanet 388, MedGen C3888239, MONDO:0007723, OMIM 142623.
Hereditary cancer-predisposing syndrome. Also called: Neoplastic Syndromes, Hereditary; Hereditary Cancer Syndrome; Tumor predisposition; Hereditary neoplastic syndrome. Identifiers: Orphanet 140162, MedGen C0027672, MeSH D009386, MONDO:0015356.
Multiple endocrine neoplasia, type 2 (MEN2). Identifiers: Orphanet 653, MedGen C4048306, MONDO:0019003. Disease mechanism: gain of function.

Allele frequency attached by ClinVar (database versions not stated): gnomAD exomes 0.00003.
gnomAD v4.1: 33 of 1,511,794 alleles (0.0022%); highest among the groups gnomAD compares: Non-Finnish European, 0.0029%; no homozygotes.

Submissions (5):

Labcorp Genetics (formerly Invitae), Labcorp
Classification: Uncertain significance for Multiple endocrine neoplasia, type 2. Last evaluated: 2025-11-05. Review status: criteria provided, single submitter. Criteria: Invitae Variant Classification Sherloc (09022015). Collection method: clinical testing. Allele origin: germline.
Comment: This sequence change replaces leucine, which is neutral and non-polar, with glutamine, which is neutral and polar, at codon 16 of the RET protein (p.Leu16Gln). This variant is not present in population databases (gnomAD no frequency). This variant has not been reported in the literature in individuals affected with RET-related conditions. ClinVar contains an entry for this variant (Variation ID: 572655). An algorithm developed to predict the effect of missense changes on protein structure and function (PolyPhen-2) suggests that this variant is likely to be tolerated. In summary, the available evidence is currently insufficient to determine the role of this variant in disease. Therefore, it has been classified as a Variant of Uncertain Significance.

Ambry Genetics
Classification: Uncertain significance for Hereditary cancer-predisposing syndrome. Last evaluated: 2025-01-22. Review status: criteria provided, single submitter. Criteria: Ambry Variant Classification Scheme 2023. Collection method: clinical testing. Allele origin: germline.
Comment: The p.L16Q variant (also known as c.47T>A), located in coding exon 1 of the RET gene, results from a T to A substitution at nucleotide position 47. The leucine at codon 16 is replaced by glutamine, an amino acid with dissimilar properties. This amino acid position is not well conserved in available vertebrate species. In addition, the in silico prediction for this alteration is inconclusive. Since supporting evidence is limited at this time, the clinical significance of this alteration remains unclear.

Quest Diagnostics Nichols Institute San Juan Capistrano
Classification: Uncertain significance. Last evaluated: 2023-10-16. Review status: criteria provided, single submitter. Criteria: Quest Diagnostics criteria. Collection method: clinical testing. Allele origin: unknown.

All of Us Research Program, National Institutes of Health
Classification: Uncertain significance for Multiple endocrine neoplasia, type 2. Last evaluated: 2023-04-03. Review status: criteria provided, single submitter. Criteria: ACMG Guidelines, 2015. Collection method: clinical testing. Allele origin: germline. Inheritance: Autosomal dominant inheritance. Observed: 1 variant allele, 1 heterozygote.
Comment: This missense variant replaces leucine with glutamine at codon 16 of the RET protein. Computational prediction suggests that this variant may not impact protein structure and function (internally defined REVEL score threshold <= 0.5, PMID: 27666373). To our knowledge, functional studies have not been reported for this variant. This variant has not been reported in individuals affected with hereditary cancer in the literature. This variant has not been identified in the general population by the Genome Aggregation Database (gnomAD). The available evidence is insufficient to determine the role of this variant in disease conclusively. Therefore, this variant is classified as a Variant of Uncertain Significance.

This study involves interpretation of variants in research participants for the purpose of population health screening. Participant phenotype was not available at the time of variant classification. Additional details can be found in publication PMID: 35346344, PMCID: PMC8962531

Baylor Genetics
Classification: Uncertain significance for Hirschsprung disease, susceptibility to, 1. Last evaluated: 2023-01-27. Review status: criteria provided, single submitter. Criteria: ACMG Guidelines, 2015. Collection method: clinical testing. Allele origin: unknown.